The following is an entry in ClinVar:

ClinVar aggregate classification (germline): Likely benign. Review status: criteria provided, multiple submitters, no conflicts (2 of 4 stars). 4 submissions from 4 submitters: Likely benign (3). 1 of the submissions does not count toward it. Last evaluated 2025-04-09.

Conditions:
TPM1-related disorder. Also called: TPM1-related condition.

Allele frequency attached by ClinVar (database versions not stated): TOPMed 0.00002; gnomAD 0.00003 and 0.00004; gnomAD exomes 0.00009.
gnomAD v4.1: 42 of 1,549,758 alleles (0.0027%); highest among the groups gnomAD compares: Middle Eastern, 0.017%; no homozygotes.

Submissions (4):

Molecular Diagnostic Laboratory for Inherited Cardiovascular Disease, Montreal Heart Institute
Classification: Likely benign. Last evaluated: 2025-04-09. Review status: criteria provided, single submitter. Criteria: ACMG Guidelines, 2015. Collection method: clinical testing. Allele origin: germline. Affected: no.

Blueprint Genetics
Classification: Likely benign. Last evaluated: 2024-07-31. Review status: criteria provided, single submitter. Criteria: ACMG Guidelines, 2015. Collection method: clinical testing. Allele origin: germline.

CeGaT Center for Human Genetics Tuebingen
Classification: Likely benign. Last evaluated: 2024-07-01. Review status: criteria provided, single submitter. Criteria: CeGaT Center For Human Genetics Tuebingen Variant Classification Criteria Version 2. Collection method: clinical testing. Allele origin: germline. Affected: yes. Observed: 11 variant alleles.
Comment: TPM1: BP4, BP7

PreventionGenetics, part of Exact Sciences
Classification: Likely benign for TPM1-related condition. Last evaluated: 2020-04-06. Review status: no assertion criteria provided. Collection method: clinical testing. Allele origin: germline. Not counted in ClinVar's aggregate classification.
Comment: This variant is classified as likely benign based on ACMG/AMP sequence variant interpretation guidelines (Richards et al. 2015 PMID: 25741868, with internal and published modifications).

NM_001018005.2(TPM1):c.115-235G>A

Gene: TPM1 (tropomyosin 1; plus strand). Cytogenetic location: 15q22.2.
Variant type: single nucleotide variant.
Coding change: c.115-235G>A on transcript NM_001018005.2 (MANE Select); 235 bases into the intron before coding-DNA position 115, G replaced by A.
Molecular consequence: intron variant. On other transcripts: synonymous variant (4).
Genome position (GRCh38, 1-based): chr15:63,043,792, G>A. VCF-style: chr15-63043792-G-A. GRCh37 (hg19) VCF-style: chr15-63335991-G-A.
Other names: c.201G>A (NM_001018020.1, NM_001018007.1); c.201G>A, p.Ala67= (NM_001301244.2, NM_001365778.1, NM_001018007.2 and 1 more transcripts); c.115-235G>A (NM_001018006.2, NM_001365776.1, NM_001018004.2 and 3 more transcripts).
Identifiers: ClinVar variation 1176993 (VCV001176993.38), dbSNP rs914524011, ClinGen allele CA272020807.